The following is an entry in ClinVar:

NM_001015877.2(PHF6):c.88C>T (p.Gln30Ter)

Gene: PHF6 (PHD finger protein 6; plus strand). Cytogenetic location: Xq26.2.
Variant type: single nucleotide variant.
Coding change: c.88C>T on transcript NM_001015877.2 (MANE Select); coding-DNA position 88, C replaced by T.
Protein change: p.Gln30Ter; replaces glutamine 30 with a stop codon.
Molecular consequence: nonsense.
Genome position (GRCh38, 1-based): chrX:134,377,705, C>T. VCF-style: chrX-134377705-C-T. GRCh37 (hg19) VCF-style: chrX-133511735-C-T.
Other names: c.88C>T, p.Gln30Ter (NM_032335.3, NM_032458.3); short protein forms Q30*.
Identifiers: ClinVar variation 3342748 (VCV003342748.1).

ClinVar aggregate classification (germline): Pathogenic (1 of 4 stars; one submission).

Submission:

GeneDx
Classification: Pathogenic. Last evaluated: 2022-12-06. Review status: criteria provided, single submitter. Criteria: GeneDx Variant Classification Process June 2021. Collection method: clinical testing. Allele origin: germline. Affected: yes.
Comment: Nonsense variant predicted to result in protein truncation or nonsense mediated decay in a gene for which loss of function is a known mechanism of disease; Not observed at significant frequency in large population cohorts (gnomAD); This variant is associated with the following publications: (PMID: 35662002)